The following is an entry in ClinVar:

NM_016824.5(ADD3):c.1568C>T (p.Ser523Phe)

Gene: ADD3 (adducin 3; plus strand). Cytogenetic location: 10q25.2.
Variant type: single nucleotide variant.
Coding change: c.1568C>T on transcript NM_016824.5 (MANE Select); coding-DNA position 1568, C replaced by T.
Protein change: p.Ser523Phe; replaces serine 523 with phenylalanine.
Molecular consequence: missense variant.
Genome position (GRCh38, 1-based): chr10:110,126,463, C>T. VCF-style: chr10-110126463-C-T. GRCh37 (hg19) VCF-style: chr10-111886221-C-T.
Other names: c.1568C>T, p.Ser523Phe (NM_001121.4, NM_001320591.2, NM_001320592.2 and 2 more transcripts); c.1334C>T, p.Ser445Phe (NM_001320594.2); short protein forms S445F, S523F.
Identifiers: ClinVar variation 4768412 (VCV004768412.1).
Genomic context (GRCh38, chr10:110,126,463, plus strand): 5'-GTTTTTCAATTCAGATTCGGGAACAAAATCGATATGACTTGAAAACAGCAGGACCACAAT[C>T]TCAGTTGCTTGCTGGAATTGTTGTGGATAAGCCACCTTCTGTAAGTTTATGAAGTAGTAT-3'
Protein context (NP_058432.1, residues 513-533): RYDLKTAGPQ[Ser523Phe]QLLAGIVVDK

ClinVar aggregate classification (germline): Uncertain significance (1 of 4 stars; one submission).

Submission:

Labcorp Genetics (formerly Invitae), Labcorp
Classification: Uncertain significance. Last evaluated: 2025-08-03. Review status: criteria provided, single submitter. Criteria: Invitae Variant Classification Sherloc (09022015). Collection method: clinical testing. Allele origin: germline.
Comment: This sequence change replaces serine, which is neutral and polar, with phenylalanine, which is neutral and non-polar, at codon 523 of the ADD3 protein (p.Ser523Phe). This variant is not present in population databases (gnomAD no frequency). This variant has not been reported in the literature in individuals affected with ADD3-related conditions. Invitae Evidence Modeling of protein sequence and biophysical properties (such as structural, functional, and spatial information, amino acid conservation, physicochemical variation, residue mobility, and thermodynamic stability) indicates that this missense variant is expected to disrupt ADD3 protein function with a positive predictive value of 80%. In summary, the available evidence is currently insufficient to determine the role of this variant in disease. Therefore, it has been classified as a Variant of Uncertain Significance.